The following is an entry in ClinVar:

ClinVar aggregate classification (germline): Likely pathogenic (1 of 4 stars; one submission).

Conditions:
Holoprosencephaly 13, X-linked. Identifiers: MedGen C5393308, MONDO:0026763, OMIM 301043.
Mullegama-Klein-Martinez syndrome. Also called: NEURODEVELOPMENTAL DISORDER, X-LINKED, WITH CRANIOFACIAL ABNORMALITIES. Identifiers: MedGen C5193008, MONDO:0026722, OMIM 301022.

Submission:

New York Genome Center
Classification: Likely pathogenic for Mullegama-Klein-Martinez syndrome; Holoprosencephaly 13, X-linked. Last evaluated: 2023-03-29. Review status: criteria provided, single submitter. Criteria: NYGC Assertion Criteria 2020. Collection method: clinical testing. Allele origin: germline. Observed: 1 heterozygote.
Comment: The c.3222dup variant identified in the STAG2 gene has not previously been reported in literature or public variant repositories (ClinVar and HGMD) and is absent from population databases (gnomAD v2.1.1 and v3.1.2, TOPMed Freeze 8), suggesting it is not a common benign variant in the populations represented in those databases. The c.3222dup variant in STAG2, located in exon 30 of this 35-exon gene, is predicted to incorporate a premature termination codon (p.(Ser1075IlefsTer12)) leading to loss-of-function via nonsense mediated decay; however, there are no functional studies to support or refute these predictions. Although the majority of reported loss-of-function variants in literature are upstream of c.3222dup, a downstream loss-of-function variant has been identified in an affected individual [PMID: 32058062]. Based on available evidence the c.3222dup p.(Ser1075IlefsTer12) variant identified in STAG2 is classified as Likely Pathogenic.

NM_001042750.2(STAG2):c.3222dup (p.Ser1075fs)

Gene: STAG2 (STAG2 cohesin complex component; plus strand). Cytogenetic location: Xq25.
Variant type: Duplication.
Coding change: c.3222dup on transcript NM_001042750.2 (MANE Select); coding-DNA position 3222, one base duplicated (A; older notation c.3222dupA).
Protein change: p.Ser1075fs; shifts the reading frame from serine 1075.
Molecular consequence: frameshift variant.
Genome position (GRCh38, 1-based): chrX:124,086,715, A duplicated; the last of 6 consecutive A bases (chrX:124,086,710-124,086,715); duplicating any one gives the same sequence. VCF-style (leftmost placement, unchanged base first): chrX-124086709-T-TA. GRCh37 (hg19) VCF-style: chrX-123220559-T-TA.
Other names: c.3222dup, p.Ser1075fs (NM_001042749.2, NM_001042751.2, NM_001282418.2 and 13 more transcripts); short protein forms S1075fs.
Identifiers: ClinVar variation 2584592 (VCV002584592.1), dbSNP rs2522404519, ClinGen allele CA2582342931.